The following is an entry in ClinVar:

ClinVar aggregate classification (germline): Uncertain significance. Review status: criteria provided, multiple submitters, no conflicts (2 of 4 stars). 2 submissions from 2 submitters: Uncertain significance (2). Last evaluated 2022-01-21.

Conditions:
Glycogen storage disease, type II (IOPD). Also called: CARDIOMEGALIA GLYCOGENICA DIFFUSA; POMPE DISEASE, INFANTILE-ONSET; GLYCOGEN STORAGE DISEASE II, INFANTILE-ONSET; ACID ALPHA-GLUCOSIDASE DEFICIENCY, INFANTILE-ONSET; GAA DEFICIENCY, INFANTILE-ONSET; ACID MALTASE DEFICIENCY, INFANTILE-ONSET. Identifiers: Orphanet 365, MedGen C0017921, MONDO:0009290, OMIM 232300.

Allele frequency attached by ClinVar (database versions not stated): gnomAD 0.00001; ExAC 0.00004; gnomAD exomes 0.00005.

Submissions (2):

Fulgent Genetics
Classification: Uncertain significance for Glycogen storage disease, type II. Last evaluated: 2022-01-21. Review status: criteria provided, single submitter. Criteria: ACMG Guidelines, 2015. Collection method: clinical testing. Allele origin: unknown.

Labcorp Genetics (formerly Invitae), Labcorp
Classification: Uncertain significance for Glycogen storage disease, type II. Last evaluated: 2021-08-27. Review status: criteria provided, single submitter. Criteria: Invitae Variant Classification Sherloc (09022015). Collection method: clinical testing. Allele origin: germline.
Comment: This sequence change replaces valine with methionine at codon 547 of the GAA protein (p.Val547Met). The valine residue is highly conserved and there is a small physicochemical difference between valine and methionine. This variant is present in population databases (rs751102729, ExAC 0.02%). This variant has not been reported in the literature in individuals affected with GAA-related conditions. Algorithms developed to predict the effect of missense changes on protein structure and function are either unavailable or do not agree on the potential impact of this missense change (SIFT: "Deleterious"; PolyPhen-2: "Possibly Damaging"; Align-GVGD: "Class C0"). In summary, the available evidence is currently insufficient to determine the role of this variant in disease. Therefore, it has been classified as a Variant of Uncertain Significance.

NM_000152.5(GAA):c.1639G>A (p.Val547Met)

Gene: GAA (alpha glucosidase; plus strand). Cytogenetic location: 17q25.3.
Variant type: single nucleotide variant.
Coding change: c.1639G>A on transcript NM_000152.5 (MANE Select); coding-DNA position 1639, G replaced by A.
Protein change: p.Val547Met; replaces valine 547 with methionine.
Molecular consequence: missense variant.
Genome position (GRCh38, 1-based): chr17:80,111,985, G>A. VCF-style: chr17-80111985-G-A. GRCh37 (hg19) VCF-style: chr17-78085784-G-A.
Other names: c.1639G>A, p.Val547Met (NM_001079803.3, NM_001079804.3); short protein forms V547M.
Identifiers: ClinVar variation 1385869 (VCV001385869.6), dbSNP rs751102729, ClinGen allele CA8815423.